The following is an entry in ClinVar:

NM_000094.4(COL7A1):c.5666C>T (p.Pro1889Leu)

Gene: COL7A1 (collagen type VII alpha 1 chain; minus strand). Cytogenetic location: 3p21.31.
Variant type: single nucleotide variant.
Coding change: c.5666C>T on transcript NM_000094.4 (MANE Select); coding-DNA position 5666, C replaced by T.
Protein change: p.Pro1889Leu; replaces proline 1889 with leucine.
Molecular consequence: missense variant.
Genome position (GRCh38, 1-based): chr3:48,576,710, G>A on the plus strand (C>T on the coding strand, the complement: COL7A1 is on the minus strand). VCF-style: chr3-48576710-G-A. GRCh37 (hg19) VCF-style: chr3-48614143-G-A.
Other names: short protein forms P1889L.
Identifiers: ClinVar variation 2123082 (VCV002123082.1), dbSNP rs1187883542, ClinGen allele CA352667789.

ClinVar aggregate classification (germline): Uncertain significance (1 of 4 stars; one submission).

gnomAD v4.1: 2 of 1,609,768 alleles (0.00012%); highest among the groups gnomAD compares: Non-Finnish European, 0.00017%; no homozygotes.

Submission:

Labcorp Genetics (formerly Invitae), Labcorp
Classification: Uncertain significance. Last evaluated: 2022-04-08. Review status: criteria provided, single submitter. Criteria: Invitae Variant Classification Sherloc (09022015). Collection method: clinical testing. Allele origin: germline.
Comment: This sequence change replaces proline, which is neutral and non-polar, with leucine, which is neutral and non-polar, at codon 1889 of the COL7A1 protein (p.Pro1889Leu). This variant is not present in population databases (gnomAD no frequency). This variant has not been reported in the literature in individuals affected with COL7A1-related conditions. Advanced modeling of protein sequence and biophysical properties (such as structural, functional, and spatial information, amino acid conservation, physicochemical variation, residue mobility, and thermodynamic stability) performed at Invitae indicates that this missense variant is not expected to disrupt COL7A1 protein function. In summary, the available evidence is currently insufficient to determine the role of this variant in disease. Therefore, it has been classified as a Variant of Uncertain Significance.